The following is an entry in ClinVar:

NM_002880.4(RAF1):c.895A>G (p.Asn299Asp)

Gene: RAF1 (Raf-1 proto-oncogene, serine/threonine kinase; minus strand). Cytogenetic location: 3p25.2.
Variant type: single nucleotide variant.
Coding change: c.895A>G on transcript NM_002880.4 (MANE Select); coding-DNA position 895, A replaced by G.
Protein change: p.Asn299Asp; replaces asparagine 299 with aspartic acid.
Molecular consequence: missense variant. On other transcripts: non-coding transcript variant (3).
Genome position (GRCh38, 1-based): chr3:12,600,247, T>C on the plus strand (A>G on the coding strand, the complement: RAF1 is on the minus strand). VCF-style: chr3-12600247-T-C. GRCh37 (hg19) VCF-style: chr3-12641746-T-C.
Other names: c.955A>G, p.Asn319Asp (NM_001354689.3); c.895A>G, p.Asn299Asp (NM_001354690.3); c.652A>G, p.Asn218Asp (NM_001354691.3, NM_001354692.3); c.796A>G, p.Asn266Asp (NM_001354693.3); c.712A>G, p.Asn238Asp (NM_001354694.3); c.553A>G, p.Asn185Asp (NM_001354695.3); short protein forms N299D, N319D, N218D, N266D, N185D, N238D.
Identifiers: ClinVar variation 2708880 (VCV002708880.3), dbSNP rs2470304902, ClinGen allele CA351509299.

ClinVar aggregate classification (germline): Uncertain significance (1 of 4 stars; one submission).

Conditions:
RASopathy. Also called: rasopathies; Noonan spectrum disorder. Identifiers: Orphanet 536391, MedGen C5555857, MONDO:0021060.

Submission:

Labcorp Genetics (formerly Invitae), Labcorp
Classification: Uncertain significance for RASopathy. Last evaluated: 2024-01-11. Review status: criteria provided, single submitter. Criteria: Invitae Variant Classification Sherloc (09022015). Collection method: clinical testing. Allele origin: germline.
Comment: This sequence change replaces asparagine, which is neutral and polar, with aspartic acid, which is acidic and polar, at codon 299 of the RAF1 protein (p.Asn299Asp). This variant is not present in population databases (gnomAD no frequency). This variant has not been reported in the literature in individuals affected with RAF1-related conditions. Advanced modeling of protein sequence and biophysical properties (such as structural, functional, and spatial information, amino acid conservation, physicochemical variation, residue mobility, and thermodynamic stability) performed at Invitae indicates that this missense variant is not expected to disrupt RAF1 protein function with a negative predictive value of 95%. In summary, the available evidence is currently insufficient to determine the role of this variant in disease. Therefore, it has been classified as a Variant of Uncertain Significance.